The following is an entry in ClinVar:

NM_015512.5(DNAH1):c.2730-6G>A

Gene: DNAH1 (dynein axonemal heavy chain 1; plus strand). Cytogenetic location: 3p21.1.
Variant type: single nucleotide variant.
Coding change: c.2730-6G>A on transcript NM_015512.5 (MANE Select); 6 bases into the intron before coding-DNA position 2730, G replaced by A.
Molecular consequence: intron variant.
Genome position (GRCh38, 1-based): chr3:52,351,956, G>A. VCF-style: chr3-52351956-G-A. GRCh37 (hg19) VCF-style: chr3-52385972-G-A.
Identifiers: ClinVar variation 544625 (VCV000544625.3), dbSNP rs779985508, ClinGen allele CA2433375.
Genomic context (GRCh38, chr3:52,351,956, plus strand): 5'-CTGGTCTTGCCACTCCACCACTTCAGCCGCGATATTTCTCCCAATCCCCACCCCCATCCC[G>A]GCCAGATGGATTGCCAGCAACTGGCCTTCTAAGATCCTTGGGCAGATAGAGCTGGTGCAG-3'

ClinVar aggregate classification (germline): Uncertain significance (1 of 4 stars; one submission).

Conditions:
Spermatogenic failure 18. Identifiers: MedGen C4539783, MONDO:0054615, OMIM 617576.
Ciliary dyskinesia, primary, 37 (CILD37). Also called: CILIARY DYSKINESIA, PRIMARY, 37, WITH OR WITHOUT SITUS INVERSUS. Identifiers: MedGen C4539798, MONDO:0033204, OMIM 617577.

Allele frequency attached by ClinVar (database versions not stated): TOPMed 0.00001; ExAC 0.00003; gnomAD exomes 0.00003.
gnomAD v4.1: 28 of 1,599,136 alleles (0.0018%); highest among the groups gnomAD compares: Admixed American, 0.015%; no homozygotes.

Submission:

Labcorp Genetics (formerly Invitae), Labcorp
Classification: Uncertain significance for Ciliary dyskinesia, primary, 37; Spermatogenic failure 18. Last evaluated: 2022-08-23. Review status: criteria provided, single submitter. Criteria: Invitae Variant Classification Sherloc (09022015). Collection method: clinical testing. Allele origin: germline.
Comment: This sequence change falls in intron 16 of the DNAH1 gene. It does not directly change the encoded amino acid sequence of the DNAH1 protein. The frequency data for this variant in the population databases is considered unreliable, as metrics indicate poor data quality at this position in the gnomAD database. This variant has not been reported in the literature in individuals affected with DNAH1-related conditions. ClinVar contains an entry for this variant (Variation ID: 544625). Algorithms developed to predict the effect of sequence changes on RNA splicing suggest that this variant may create or strengthen a splice site. In summary, the available evidence is currently insufficient to determine the role of this variant in disease. Therefore, it has been classified as a Variant of Uncertain Significance.